The following is an entry in ClinVar:

NM_001365951.3(KIF1B):c.185C>T (p.Pro62Leu)

Gene: KIF1B (kinesin family member 1B; plus strand). Cytogenetic location: 1p36.22.
Variant type: single nucleotide variant.
Coding change: c.185C>T on transcript NM_001365951.3 (MANE Select); coding-DNA position 185, C replaced by T.
Protein change: p.Pro62Leu; replaces proline 62 with leucine.
Molecular consequence: missense variant.
Genome position (GRCh38, 1-based): chr1:10,258,494, C>T. VCF-style: chr1-10258494-C-T. GRCh37 (hg19) VCF-style: chr1-10318552-C-T.
Other names: c.185C>T, p.Pro62Leu (NM_001365952.1, NM_001365953.1, NM_015074.3 and 1 more transcripts); short protein forms P62L.
Identifiers: ClinVar variation 955876 (VCV000955876.13), dbSNP rs1262165101, ClinGen allele CA338324534.
Genomic context (GRCh38, chr1:10,258,494, plus strand): 5'-GTAAGTATAGGAAGAAATATTAATAAAAGGTTATTTATTTCTCCTTTTACTCTTTACAGC[C>T]CGAAGATCCCTGTTTTGCATCTCAAAACCGTGTGTACAATGACATTGGCAAGGAAATGCT-3'
Protein context (NP_001352880.1, residues 52-72): FDYSYWSHTS[Pro62Leu]EDPCFASQNR

ClinVar aggregate classification (germline): Uncertain significance. Review status: criteria provided, multiple submitters, no conflicts (2 of 4 stars). 2 submissions from 2 submitters: Uncertain significance (2). Last evaluated 2025-11-25.

Conditions:
Charcot-Marie-Tooth disease type 2. Also called: Charcot-Marie-Tooth type 2. Identifiers: Orphanet 64746, MedGen C0270914, MONDO:0018993.

Allele frequency attached by ClinVar (database versions not stated): TOPMed below 0.00001; gnomAD 0.00001.
gnomAD v4.1: 3 of 1,613,670 alleles (0.00019%); highest among the groups gnomAD compares: African/African-American, 0.0027%; no homozygotes.

Submissions (2):

Ambry Genetics
Classification: Uncertain significance. Last evaluated: 2025-11-25. Review status: criteria provided, single submitter. Criteria: Ambry Variant Classification Scheme 2023. Collection method: clinical testing. Allele origin: germline.
Comment: The p.P62L variant (also known as c.185C>T), located in coding exon 3 of the KIF1B gene, results from a C to T substitution at nucleotide position 185. The proline at codon 62 is replaced by leucine, an amino acid with similar properties. This amino acid position is highly conserved in available vertebrate species. In addition, this alteration is predicted to be tolerated by in silico analysis. Since supporting evidence is limited at this time, the clinical significance of this alteration remains unclear.

Labcorp Genetics (formerly Invitae), Labcorp
Classification: Uncertain significance for Charcot-Marie-Tooth disease type 2. Last evaluated: 2025-04-11. Review status: criteria provided, single submitter. Criteria: Invitae Variant Classification Sherloc (09022015). Collection method: clinical testing. Allele origin: germline.
Comment: This sequence change replaces proline, which is neutral and non-polar, with leucine, which is neutral and non-polar, at codon 62 of the KIF1B protein (p.Pro62Leu). This variant is present in population databases (no rsID available, gnomAD 0.01%). This variant has not been reported in the literature in individuals affected with KIF1B-related conditions. ClinVar contains an entry for this variant (Variation ID: 955876). An algorithm developed to predict the effect of missense changes on protein structure and function (PolyPhen-2) suggests that this variant is likely to be tolerated. In summary, the available evidence is currently insufficient to determine the role of this variant in disease. Therefore, it has been classified as a Variant of Uncertain Significance.